The following is an entry in ClinVar:

NM_001005522.2(OR2T8):c.642C>T (p.Ser214=)

Gene: OR2T8 (olfactory receptor family 2 subfamily T member 8; plus strand). Cytogenetic location: 1q44.
Variant type: single nucleotide variant.
Coding change: c.642C>T on transcript NM_001005522.2 (MANE Select); coding-DNA position 642, C replaced by T.
Protein change: p.Ser214=; no amino-acid change (serine 214 retained).
Molecular consequence: synonymous variant.
Genome position (GRCh38, 1-based): chr1:247,921,659, C>T. VCF-style: chr1-247921659-C-T. GRCh37 (hg19) VCF-style: chr1-248084961-C-T.
Identifiers: ClinVar variation 3771263 (VCV003771263.13).

ClinVar aggregate classification (germline): Likely benign (1 of 4 stars; one submission).

Submission:

CeGaT Center for Human Genetics Tuebingen
Classification: Likely benign. Last evaluated: 2025-01-01. Review status: criteria provided, single submitter. Criteria: CeGaT Center For Human Genetics Tuebingen Variant Classification Criteria Version 2. Collection method: clinical testing. Allele origin: germline. Affected: yes. Observed: 1 variant allele.
Comment: OR2T8: BP4, BP7